The following is an entry in ClinVar:

ClinVar aggregate classification (germline): Uncertain significance (1 of 4 stars; one submission).

gnomAD v4.1: 1 of 565,906 alleles (0.00018%); highest among the groups gnomAD compares: Non-Finnish European, 0.00031%; no homozygotes.

Submission:

Dasa
Classification: Uncertain significance. Last evaluated: 2025-09-09. Review status: criteria provided, single submitter. Criteria: DASA Assertion Criteria. Collection method: clinical testing. Allele origin: germline.
Comment: NM_001366022.1(TET3):c.10A>G (p.Arg4Gly) is a missense variant that results in the substitution of arginine with glycine. This variant is rare in population databases. Computational prediction algorithms are consistent with a benign effect. The currently available literature and clinical evidence are not sufficient to establish a definitive association between this variant and the reported condition. Therefore, this variant is classified as a variant of uncertain significance.

NM_001287491.2(TET3):c.304-323A>G

Genes: TET3 (tet methylcytosine dioxygenase 3; plus strand), LOC129934104 (ATAC-STARR-seq lymphoblastoid silent region 11650; plus strand). Cytogenetic location: 2p13.1.
Variant type: single nucleotide variant.
Coding change: c.304-323A>G on transcript NM_001287491.2 (MANE Select); 323 bases into the intron before coding-DNA position 304, A replaced by G.
Molecular consequence: intron variant. On other transcripts: missense variant (1).
Genome position (GRCh38, 1-based): chr2:74,002,787, A>G. VCF-style: chr2-74002787-A-G. GRCh37 (hg19) VCF-style: chr2-74229914-A-G.
Other names: c.10A>G, p.Arg4Gly (NM_001366022.1); short protein forms R4G.
Identifiers: ClinVar variation 4882007 (VCV004882007.2).